The following is an entry in ClinVar:

ClinVar aggregate classification (germline): Likely pathogenic (1 of 4 stars; one submission).

Conditions:
Joubert syndrome. Also called: CEREBELLOPARENCHYMAL DISORDER IV; JOUBERT-BOLTSHAUSER SYNDROME; Familial aplasia of the vermis. Identifiers: Orphanet 475, MedGen C5979921, MONDO:0018772.
Meckel-Gruber syndrome. Also called: DYSENCEPHALIA SPLANCHNOCYSTICA; GRUBER SYNDROME; Dysencephalia splachnocystica. Identifiers: Orphanet 564, MedGen C0265215, MONDO:0018921.

Submission:

Labcorp Genetics (formerly Invitae), Labcorp
Classification: Likely pathogenic for Joubert syndrome; Meckel-Gruber syndrome. Last evaluated: 2023-10-20. Review status: criteria provided, single submitter. Criteria: Invitae Variant Classification Sherloc (09022015). Collection method: clinical testing. Allele origin: germline.
Comment: This sequence change replaces cysteine, which is neutral and slightly polar, with phenylalanine, which is neutral and non-polar, at codon 78 of the TMEM67 protein (p.Cys78Phe). This variant is not present in population databases (gnomAD no frequency). This variant has not been reported in the literature in individuals affected with TMEM67-related conditions. Advanced modeling of protein sequence and biophysical properties (such as structural, functional, and spatial information, amino acid conservation, physicochemical variation, residue mobility, and thermodynamic stability) performed at Invitae indicates that this missense variant is expected to disrupt TMEM67 protein function. This variant disrupts the p.Cys78 amino acid residue in TMEM67. Other variant(s) that disrupt this residue have been determined to be pathogenic (PMID: 26275793, 29261186). This suggests that this residue is clinically significant, and that variants that disrupt this residue are likely to be disease-causing. In summary, the currently available evidence indicates that the variant is pathogenic, but additional data are needed to prove that conclusively. Therefore, this variant has been classified as Likely Pathogenic.

Literature cited by the submitters: PubMed 26275793; PubMed 29261186.

NM_153704.6(TMEM67):c.233G>T (p.Cys78Phe)

Gene: TMEM67 (transmembrane protein 67; plus strand). Cytogenetic location: 8q22.1.
Variant type: single nucleotide variant.
Coding change: c.233G>T on transcript NM_153704.6 (MANE Select); coding-DNA position 233, G replaced by T.
Protein change: p.Cys78Phe; replaces cysteine 78 with phenylalanine.
Molecular consequence: missense variant. On other transcripts: non-coding transcript variant (1), intron variant (1).
Genome position (GRCh38, 1-based): chr8:93,755,787, G>T. VCF-style: chr8-93755787-G-T. GRCh37 (hg19) VCF-style: chr8-94768015-G-T.
Other names: c.-62+650G>T (NM_001142301.1); short protein forms C78F.
Identifiers: ClinVar variation 2942585 (VCV002942585.3), dbSNP rs1563673490, ClinGen allele CA371685540.
Genomic context (GRCh38, chr8:93,755,787, plus strand): 5'-TTTATTTATCAAGGATAAAATTGGCTTTTTTTTTTTTTTTTTTTTTTTTAGGAACTTCAT[G>T]TGTATGTCTACCAGGATTTCAGATGATCTCTAATAATGGAGGACCTGCTATTATTTGTAA-3'
Protein context (NP_714915.3, residues 68-88): NQRQDARGTS[Cys78Phe]VCLPGFQMIS